The following is an entry in ClinVar:

NM_025114.4(CEP290):c.3315C>T (p.Thr1105=)

Gene: CEP290 (centrosomal protein 290; minus strand). Cytogenetic location: 12q21.32.
Variant type: single nucleotide variant.
Coding change: c.3315C>T on transcript NM_025114.4 (MANE Select); coding-DNA position 3315, C replaced by T.
Protein change: p.Thr1105=; no amino-acid change (threonine 1105 retained).
Molecular consequence: synonymous variant.
Genome position (GRCh38, 1-based): chr12:88,092,827, G>A on the plus strand (C>T on the coding strand, the complement: CEP290 is on the minus strand). VCF-style: chr12-88092827-G-A. GRCh37 (hg19) VCF-style: chr12-88486604-G-A.
Other names: c.3315C>T (NM_025114.3).
Identifiers: ClinVar variation 2931520 (VCV002931520.4), dbSNP rs2500237209, ClinGen allele CA481077242.

ClinVar aggregate classification (germline): Likely benign. Review status: criteria provided, multiple submitters, no conflicts (2 of 4 stars). 2 submissions from 2 submitters: Likely benign (2). Last evaluated 2025-12-16.

Conditions:
CEP290-related disorder. Also called: CEP290-related disorders; CEP290-related condition. Identifiers: MedGen CN239314.
Meckel-Gruber syndrome. Also called: Dysencephalia splachnocystica; DYSENCEPHALIA SPLANCHNOCYSTICA; GRUBER SYNDROME. Identifiers: Orphanet 564, MedGen C0265215, MONDO:0018921.
Joubert syndrome. Also called: Familial aplasia of the vermis; JOUBERT-BOLTSHAUSER SYNDROME. Identifiers: Orphanet 475, MedGen C5979921, MONDO:0018772.
Nephronophthisis. Also called: Juvenile Nephronophthisis. Identifiers: Orphanet 655, MedGen C0687120, MONDO:0019005, HP:0000090.

Allele frequency attached by ClinVar (database versions not stated): gnomAD exomes 0.00001.
gnomAD v4.1: 4 of 1,606,868 alleles (0.00025%); highest among the groups gnomAD compares: Non-Finnish European, 0.00034%; no homozygotes.

Submissions (2):

PreventionGenetics, part of Exact Sciences
Classification: Likely benign for CEP290-related condition. Last evaluated: 2025-12-16. Review status: criteria provided, single submitter. Criteria: ACMG Guidelines, 2015. Collection method: clinical testing. Allele origin: germline.
Comment: This variant is classified as likely benign based on ACMG/AMP sequence variant interpretation guidelines (Richards et al. 2015 PMID: 25741868, with internal and published modifications).

Labcorp Genetics (formerly Invitae), Labcorp
Classification: Likely benign for Joubert syndrome; Meckel-Gruber syndrome; Nephronophthisis. Last evaluated: 2023-01-20. Review status: criteria provided, single submitter. Criteria: Invitae Variant Classification Sherloc (09022015). Collection method: clinical testing. Allele origin: germline.